The following is an entry in ClinVar:

NM_001363118.2(SLC52A2):c.*19C>T

Gene: SLC52A2 (solute carrier family 52 member 2; plus strand). Cytogenetic location: 8q24.3.
Variant type: single nucleotide variant.
Coding change: c.*19C>T on transcript NM_001363118.2 (MANE Select); 19 bases downstream of the stop codon, C replaced by T.
Molecular consequence: 3 prime UTR variant. On other transcripts: non-coding transcript variant (1).
Genome position (GRCh38, 1-based): chr8:144,361,034, C>T. VCF-style: chr8-144361034-C-T. GRCh37 (hg19) VCF-style: chr8-145584694-C-T.
Other names: c.*19C>T (NM_001253815.2, NM_001253816.2, NM_001363120.2 and 3 more transcripts).
Identifiers: ClinVar variation 257671 (VCV000257671.4), dbSNP rs34383175, ClinGen allele CA4938475.
Genomic context (GRCh38, chr8:144,361,034, plus strand): 5'-TTCCACAGCAGAAAGGACTGTGCAGACCCCTGTGACTCCTGAGCCTGGGCAGGTGGGGAC[C>T]CCGCTCCCCAACACCTGTCTTTCCCTCAATGCTGCCACCATGCCTGAGTGCCTGCAGCCC-3'

ClinVar aggregate classification (germline): Benign. Review status: criteria provided, multiple submitters, no conflicts (2 of 4 stars). 4 submissions from 4 submitters: Benign (4). Last evaluated 2021-04-13.

Allele frequency attached by ClinVar (database versions not stated): 1000 Genomes Project 0.00899; 1000 Genomes Project 30x 0.00984; gnomAD 0.02376 and 0.02449; gnomAD exomes 0.02394; TOPMed 0.02190; ExAC 0.02513; ESP Exome Variant Server 0.02783.

Submissions (4):

Mayo Clinic Laboratories, Mayo Clinic
Classification: Benign. Last evaluated: 2021-04-13. Review status: criteria provided, single submitter. Criteria: ACMG Guidelines, 2015. Collection method: clinical testing. Allele origin: germline. Observed: 7 variant alleles.

GeneDx
Classification: Benign. Last evaluated: 2015-12-31. Review status: criteria provided, single submitter. Criteria: GeneDx Variant Classification (06012015). Collection method: clinical testing. Allele origin: germline. Affected: yes.
Comment: This variant is considered likely benign or benign based on one or more of the following criteria: it is a conservative change, it occurs at a poorly conserved position in the protein, it is predicted to be benign by multiple in silico algorithms, and/or has population frequency not consistent with disease.

Breakthrough Genomics
Classification: Benign. Review status: criteria provided, single submitter. Criteria: ACMG Guidelines, 2015. Collection method: not provided. Allele origin: germline. Inheritance: Autosomal recessive inheritance. Affected: yes.

PreventionGenetics, part of Exact Sciences
Classification: Benign. Review status: criteria provided, single submitter. Criteria: ACMG Guidelines, 2015. Collection method: clinical testing. Allele origin: germline.